The following is an entry in ClinVar:

NM_000631.5(NCF4):c.280T>C (p.Tyr94His)

Genes: NCF4 (neutrophil cytosolic factor 4; plus strand), NCF4-AS1 (NCF4 antisense RNA 1; minus strand). Cytogenetic location: 22q12.3.
Variant type: single nucleotide variant.
Coding change: c.280T>C on transcript NM_000631.5 (MANE Select); coding-DNA position 280, T replaced by C.
Protein change: p.Tyr94His; replaces tyrosine 94 with histidine.
Molecular consequence: missense variant.
Genome position (GRCh38, 1-based): chr22:36,867,400, T>C. VCF-style: chr22-36867400-T-C. GRCh37 (hg19) VCF-style: chr22-37263442-T-C.
Other names: c.280T>C, p.Tyr94His (NM_013416.4); short protein forms Y94H.
Identifiers: ClinVar variation 1389502 (VCV001389502.8), dbSNP rs2145710159, ClinGen allele CA411381088.

ClinVar aggregate classification (germline): Uncertain significance (1 of 4 stars; one submission).

Conditions:
Granulomatous disease, chronic, autosomal recessive, cytochrome b-positive, type 3. Also called: GRANULOMATOUS DISEASE, CHRONIC, AUTOSOMAL RECESSIVE, 3; CGD, AUTOSOMAL RECESSIVE CYTOCHROME b-POSITIVE, TYPE III; GRANULOMATOUS DISEASE, CHRONIC, DUE TO NCF4 DEFICIENCY; Granulomatous disease, chronic, autosomal recessive, cytochrome b-positive, type III. Identifiers: Orphanet 379, MedGen C3151409, MONDO:0013507, OMIM 613960.

Submission:

Labcorp Genetics (formerly Invitae), Labcorp
Classification: Uncertain significance for Granulomatous disease, chronic, autosomal recessive, cytochrome b-positive, type 3. Last evaluated: 2021-05-21. Review status: criteria provided, single submitter. Criteria: Invitae Variant Classification Sherloc (09022015). Collection method: clinical testing. Allele origin: germline.
Comment: This sequence change replaces tyrosine with histidine at codon 94 of the NCF4 protein (p.Tyr94His). The tyrosine residue is moderately conserved and there is a moderate physicochemical difference between tyrosine and histidine. This variant is not present in population databases (ExAC no frequency). This variant has not been reported in the literature in individuals with NCF4-related conditions. Algorithms developed to predict the effect of missense changes on protein structure and function are either unavailable or do not agree on the potential impact of this missense change (SIFT: "Deleterious"; PolyPhen-2: "Probably Damaging"; Align-GVGD: "Class C0"). In summary, the available evidence is currently insufficient to determine the role of this variant in disease. Therefore, it has been classified as a Variant of Uncertain Significance.